The following is an entry in ClinVar:

NM_001006658.3(CR2):c.3223T>A (p.Phe1075Ile)

Gene: CR2 (complement C3d receptor 2; plus strand). Cytogenetic location: 1q32.2.
Variant type: single nucleotide variant.
Coding change: c.3223T>A on transcript NM_001006658.3 (MANE Select); coding-DNA position 3223, T replaced by A.
Protein change: p.Phe1075Ile; replaces phenylalanine 1075 with isoleucine.
Molecular consequence: missense variant.
Genome position (GRCh38, 1-based): chr1:207,485,498, T>A. VCF-style: chr1-207485498-T-A. GRCh37 (hg19) VCF-style: chr1-207658843-T-A.
Other names: c.3046T>A, p.Phe1016Ile (NM_001877.5); short protein forms F1016I, F1075I.
Identifiers: ClinVar variation 1053643 (VCV001053643.8), dbSNP rs756117589, ClinGen allele CA1369195.

ClinVar aggregate classification (germline): Uncertain significance (1 of 4 stars; one submission).

Conditions:
Immunodeficiency, common variable, 7. Identifiers: Orphanet 1572, Orphanet 696894, MedGen C3542922, MONDO:0013862, OMIM 614699.

Allele frequency attached by ClinVar (database versions not stated): ExAC 0.00002; gnomAD exomes 0.00001; gnomAD 0.00001; TOPMed 0.00001.
gnomAD v4.1: 19 of 1,613,270 alleles (0.0012%); highest among the groups gnomAD compares: Middle Eastern, 0.033%; no homozygotes.

Submission:

Labcorp Genetics (formerly Invitae), Labcorp
Classification: Uncertain significance for Immunodeficiency, common variable, 7. Last evaluated: 2024-07-17. Review status: criteria provided, single submitter. Criteria: Invitae Variant Classification Sherloc (09022015). Collection method: clinical testing. Allele origin: germline.
Comment: This sequence change replaces phenylalanine, which is neutral and non-polar, with isoleucine, which is neutral and non-polar, at codon 1075 of the CR2 protein (p.Phe1075Ile). This variant is present in population databases (rs756117589, gnomAD 0.003%). This variant has not been reported in the literature in individuals affected with CR2-related conditions. ClinVar contains an entry for this variant (Variation ID: 1053643). An algorithm developed to predict the effect of missense changes on protein structure and function outputs the following: PolyPhen-2: "Benign". The isoleucine amino acid residue is found in multiple mammalian species, which suggests that this missense change does not adversely affect protein function. In summary, the available evidence is currently insufficient to determine the role of this variant in disease. Therefore, it has been classified as a Variant of Uncertain Significance.